The following is an entry in ClinVar:

NM_001035.3(RYR2):c.3598+13T>C

Gene: RYR2 (ryanodine receptor 2; plus strand). Cytogenetic location: 1q43.
Variant type: single nucleotide variant.
Coding change: c.3598+13T>C on transcript NM_001035.3 (MANE Select); 13 bases into the intron after coding-DNA position 3598, T replaced by C.
Molecular consequence: intron variant.
Genome position (GRCh38, 1-based): chr1:237,569,332, T>C. VCF-style: chr1-237569332-T-C. GRCh37 (hg19) VCF-style: chr1-237732632-T-C.
Identifiers: ClinVar variation 876166 (VCV000876166.15), dbSNP rs145104355, ClinGen allele CA086411.

ClinVar aggregate classification (germline): Conflicting classifications of pathogenicity. Review status: criteria provided, conflicting classifications (1 of 4 stars). 5 submissions from 4 submitters: Uncertain significance (1); Benign (1); Likely benign (3). Last evaluated 2025-12-15.

Conditions:
Catecholaminergic polymorphic ventricular tachycardia 1. Also called: RYR2-Related Catecholaminergic Polymorphic Ventricular Tachycardia; VENTRICULAR TACHYCARDIA, CATECHOLAMINERGIC POLYMORPHIC, 1, WITH OR WITHOUT ATRIAL DYSFUNCTION AND/OR DILATED CARDIOMYOPATHY; VENTRICULAR TACHYCARDIA, STRESS-INDUCED POLYMORPHIC 1. Identifiers: Orphanet 3286, MedGen C1631597, MONDO:0011484, OMIM 604772.
Arrhythmogenic right ventricular dysplasia 2. Identifiers: MedGen C1832931.

Allele frequency attached by ClinVar (database versions not stated): gnomAD 0.00009 and 0.00013; gnomAD exomes 0.00009 and 0.00010; TOPMed 0.00012; ExAC 0.00014; ESP Exome Variant Server 0.00016; 1000 Genomes Project 30x 0.00078; 1000 Genomes Project 0.00100.
gnomAD v4.1: 164 of 1,611,014 alleles (0.01%); highest among the groups gnomAD compares: African/African-American, 0.024%; no homozygotes.

Submissions (5):

Labcorp Genetics (formerly Invitae), Labcorp
Classification: Likely benign for Catecholaminergic polymorphic ventricular tachycardia 1. Last evaluated: 2025-12-15. Review status: criteria provided, single submitter. Criteria: Invitae Variant Classification Sherloc (09022015). Collection method: clinical testing. Allele origin: germline.

Women's Health and Genetics/Laboratory Corporation of America, LabCorp
Classification: Benign. Last evaluated: 2024-11-15. Review status: criteria provided, single submitter. Criteria: LabCorp Variant Classification Summary - May 2015. Collection method: clinical testing. Allele origin: germline.

Blueprint Genetics
Classification: Likely benign. Last evaluated: 2023-09-01. Review status: criteria provided, single submitter. Criteria: ACMG Guidelines, 2015. Collection method: clinical testing. Allele origin: germline.

Illumina Laboratory Services, Illumina
Classification: Uncertain significance for Catecholaminergic polymorphic ventricular tachycardia 1. Last evaluated: 2018-01-12. Review status: criteria provided, single submitter. Criteria: ICSL Variant Classification Criteria 13 December 2019. Collection method: clinical testing. Allele origin: germline.

Illumina Laboratory Services, Illumina
Classification: Likely benign for Catecholaminergic polymorphic ventricular tachycardia 1. Last evaluated: 2018-01-12. Review status: criteria provided, single submitter. Criteria: ICSL Variant Classification Criteria 13 December 2019. Collection method: clinical testing. Allele origin: germline.
Comment: This variant was observed in the ICSL laboratory as part of a predisposition screen in an ostensibly healthy population. It had not been previously curated by ICSL or reported in the Human Gene Mutation Database (HGMD: prior to June 1st, 2018), and was therefore a candidate for classification through an automated scoring system. Utilizing variant allele frequency, disease prevalence and penetrance estimates, and inheritance mode, an automated score was calculated to assess if this variant is too frequent to cause the disease. Based on the score and internal cut-off values, a variant classified as likely benign is not then subjected to further curation. The score for this variant resulted in a classification of likely benign for this disease.